The following is an entry in ClinVar:

NM_000443.4(ABCB4):c.1501G>T (p.Glu501Ter)

Gene: ABCB4 (ATP binding cassette subfamily B member 4; minus strand). Cytogenetic location: 7q21.12.
Variant type: single nucleotide variant.
Coding change: c.1501G>T on transcript NM_000443.4 (MANE Select); coding-DNA position 1501, G replaced by T.
Protein change: p.Glu501Ter; replaces glutamic acid 501 with a stop codon.
Molecular consequence: nonsense.
Genome position (GRCh38, 1-based): chr7:87,440,258, C>A on the plus strand (G>T on the coding strand, the complement: ABCB4 is on the minus strand). VCF-style: chr7-87440258-C-A. GRCh37 (hg19) VCF-style: chr7-87069574-C-A.
Other names: c.1501G>T, p.Glu501Ter (NM_018849.3, NM_018850.3); c.1501G>T (NM_000443.3); short protein forms E501*.
Identifiers: ClinVar variation 594825 (VCV000594825.7), dbSNP rs1562976167, ClinGen allele CA368041497.
Genomic context (GRCh38, chr7:87,440,258, plus strand): 5'-CCTGTGGTAATTTCATGATAAACTCATAGGCGTTGGCCTCTTTGACAGCTTTCTTTATCT[C>A]ATCCATGGTTACATTTCCACGGCCATAACAAATATTTTCAGCAATTGTGGTGGAAAACAG-3'

ClinVar aggregate classification (germline): Pathogenic. Review status: criteria provided, multiple submitters, no conflicts (2 of 4 stars). 3 submissions from 3 submitters: Pathogenic (3). Last evaluated 2026-04-14.

Conditions:
Low phospholipid associated cholelithiasis (GBD1). Also called: Gallbladder disease 1; Gallstone cholecystitis. Identifiers: Orphanet 69663, MedGen C2609268, MONDO:0010939, OMIM 600803.
ABCB4-related disorder. Also called: ABCB4-related disorders; ABCB4-related condition.

Submissions (3):

Genomenon, Inc
Classification: Pathogenic for Low phospholipid associated cholelithiasis. Last evaluated: 2026-04-14. Review status: criteria provided, single submitter. Criteria: Genomenon Sequence Variant Interpretation Standards - Updated. Collection method: curation. Allele origin: germline. Affected: yes.
Comment: ABCB4 p.Glu501Ter (c.1501G>T) is a nonsense variant that introduces a premature stop codon at amino acid position 501, creating a truncated protein that is predicted to undergo nonsense-mediated mRNA decay. This variant has been observed in at least one proband with an ABCB4-related disorder (PMID:24914347). The variant was found to segregate with disease in at least one affected family (PMID:24914347). It is absent or not present at a significant frequency in gnomAD. In conclusion, we classify ABCB4 p.Glu501Ter (c.1501G>T) as a pathogenic variant.

PreventionGenetics, part of Exact Sciences
Classification: Pathogenic for ABCB4-related condition. Last evaluated: 2026-01-13. Review status: criteria provided, single submitter. Criteria: ACMG Guidelines, 2015. Collection method: clinical testing. Allele origin: germline.
Comment: The ABCB4 c.1501G>T variant is predicted to result in premature protein termination (p.Glu501*). This variant has been reported in the heterozygous state in three individuals from one family with low phospholipid associated cholelithiasis (Jirsa et al. 2014. PubMed ID: 24914347) and in one individual with high-GGT intrahepatic cholestasis (Neřoldová et al. 2023. PubMed ID: 37471416). This variant has not been reported in a large population database (gnomAD), indicating this variant is rare. Nonsense variants in ABCB4 are expected to be pathogenic. This variant is interpreted as pathogenic.

Eurofins Ntd Llc (ga)
Classification: Pathogenic. Last evaluated: 2018-07-09. Review status: criteria provided, single submitter. Criteria: EGL ClinVar v180209 classification definitions. Collection method: clinical testing. Allele origin: germline. Observed: 4 variant alleles, 4 heterozygotes.

Literature cited by the submitters: PubMed 24914347 (cited by Genomenon, Inc).